The following is an entry in ClinVar:

NM_004700.4(KCNQ4):c.1079C>T (p.Ala360Val)

Gene: KCNQ4 (potassium voltage-gated channel subfamily Q member 4; plus strand). Cytogenetic location: 1p34.2.
Variant type: single nucleotide variant.
Coding change: c.1079C>T on transcript NM_004700.4 (MANE Select); coding-DNA position 1079, C replaced by T.
Protein change: p.Ala360Val; replaces alanine 360 with valine.
Molecular consequence: missense variant.
Genome position (GRCh38, 1-based): chr1:40,822,351, C>T. VCF-style: chr1-40822351-C-T. GRCh37 (hg19) VCF-style: chr1-41288023-C-T.
Other names: c.1079C>T, p.Ala360Val (NM_172163.3); short protein forms A360V.
Identifiers: ClinVar variation 3777500 (VCV003777500.1).
Genomic context (GRCh38, chr1:40,822,351, plus strand): 5'-CCCCACGTCCCCCATACCACCAGGCTGCCTGGCGCCTGTACTCCACCGATATGAGCCGGG[C>T]CTACCTGACAGCCACCTGGTACTACTATGACAGTATCCTCCCATCCTTCAGGTAGGTCCT-3'
Protein context (NP_004691.2, residues 350-370): WRLYSTDMSR[Ala360Val]YLTATWYYYD

ClinVar aggregate classification (germline): Uncertain significance (1 of 4 stars; one submission).

gnomAD v4.1: 7 of 1,613,024 alleles (0.00043%); highest among the groups gnomAD compares: Non-Finnish European, 0.00051%; no homozygotes.

Submission:

GeneDx
Classification: Uncertain significance. Last evaluated: 2024-10-09. Review status: criteria provided, single submitter. Criteria: GeneDx Variant Classification Process June 2021. Collection method: clinical testing. Allele origin: germline. Affected: yes.
Comment: Not observed at significant frequency in large population cohorts (gnomAD); In silico analysis indicates that this missense variant does not alter protein structure/function; Has not been previously published as pathogenic or benign to our knowledge